The following is an entry in ClinVar:

ClinVar aggregate classification (germline): Benign/Likely benign. Review status: criteria provided, multiple submitters, no conflicts (2 of 4 stars). 5 submissions from 5 submitters: Benign (2); Likely benign (2). 1 of the submissions does not count toward it. Last evaluated 2026-01-27.

Conditions:
NR3C1-related disorder. Also called: NR3C1-related condition.
Glucocorticoid resistance. Also called: Gccr deficiency; Glucocorticoid receptor deficiency; Cortisol resistance from glucocorticoid receptor defect; Gcr deficiency; Glucocorticoid resistance, generalized. Identifiers: Orphanet 786, MedGen C1841972, MONDO:0014421, OMIM 615962.

Allele frequency attached by ClinVar (database versions not stated): 1000 Genomes Project 30x 0.00968; 1000 Genomes Project 0.01058; TOPMed 0.01489; gnomAD 0.01680 and 0.01685; ExAC 0.01784; ESP Exome Variant Server 0.02091.
gnomAD v4.1: 38,735 of 1,614,150 alleles (2.4%); highest among the groups gnomAD compares: Non-Finnish European, 2.8%; 590 homozygotes.

Submissions (5):

Labcorp Genetics (formerly Invitae), Labcorp
Classification: Benign. Last evaluated: 2026-01-27. Review status: criteria provided, single submitter. Criteria: Invitae Variant Classification Sherloc (09022015). Collection method: clinical testing. Allele origin: germline.

Mendelics
Classification: Benign for Glucocorticoid resistance. Last evaluated: 2019-05-28. Review status: criteria provided, single submitter. Criteria: Mendelics Assertion Criteria 2017. Collection method: clinical testing. Allele origin: unknown.

Illumina Laboratory Services, Illumina
Classification: Likely benign for Glucocorticoid resistance. Last evaluated: 2017-04-27. Review status: criteria provided, single submitter. Criteria: ICSL Variant Classification Criteria 13 December 2019. Collection method: clinical testing. Allele origin: germline.
Comment: This variant was observed as part of a predisposition screen in an ostensibly healthy population. A literature search was performed for the gene, cDNA change, and amino acid change (where applicable). Publications were found based on this search. The evidence from the literature, in combination with allele frequency data from public databases where available, was sufficient to determine this variant is unlikely to cause disease. Therefore, this variant is classified as likely benign.

Breakthrough Genomics
Classification: Likely benign. Review status: criteria provided, single submitter. Criteria: ACMG Guidelines, 2015. Collection method: not provided. Allele origin: germline. Inheritance: Autosomal dominant inheritance. Affected: yes.

PreventionGenetics, part of Exact Sciences
Classification: Benign for NR3C1-related condition. Last evaluated: 2019-07-17. Review status: no assertion criteria provided. Collection method: clinical testing. Allele origin: germline. Not counted in ClinVar's aggregate classification.
Comment: This variant is classified as benign based on ACMG/AMP sequence variant interpretation guidelines (Richards et al. 2015 PMID: 25741868, with internal and published modifications).

Literature cited by the submitters: PubMed 15292341 (cited by Illumina Laboratory Services, Illumina); PubMed 15276593 (cited by Illumina Laboratory Services, Illumina); PubMed 17848410 (cited by Illumina Laboratory Services, Illumina); PubMed 9150737 (cited by Illumina Laboratory Services, Illumina); PubMed 12351458 (cited by Illumina Laboratory Services, Illumina); PubMed 16030164 (cited by Illumina Laboratory Services, Illumina).

NM_000176.3(NR3C1):c.66G>A (p.Glu22=)

Gene: NR3C1 (nuclear receptor subfamily 3 group C member 1; minus strand). Cytogenetic location: 5q31.3.
Variant type: single nucleotide variant.
Coding change: c.66G>A on transcript NM_000176.3 (MANE Select); coding-DNA position 66, G replaced by A.
Protein change: p.Glu22=; no amino-acid change (glutamic acid 22 retained).
Molecular consequence: synonymous variant. On other transcripts: 5 prime UTR variant (7).
Genome position (GRCh38, 1-based): chr5:143,400,774, C>T on the plus strand (G>A on the coding strand, the complement: NR3C1 is on the minus strand). VCF-style: chr5-143400774-C-T. GRCh37 (hg19) VCF-style: chr5-142780339-C-T.
Other names: c.66G>A, p.Glu22= (NM_001018074.1, NM_001018075.1, NM_001018076.2 and 10 more transcripts); c.-13G>A (NM_001204258.2); c.-190G>A (NM_001204259.2); c.-202G>A (NM_001204260.2); c.-226G>A (NM_001204261.2); c.-880G>A (NM_001204262.2); c.-925G>A (NM_001204263.2); c.-940G>A (NM_001204264.2).
Identifiers: ClinVar variation 155925 (VCV000155925.16), dbSNP rs6189, ClinGen allele CA126231.